The following is an entry in ClinVar:

NM_014714.4(IFT140):c.2194A>G (p.Arg732Gly)

Gene: IFT140 (intraflagellar transport 140; minus strand). Cytogenetic location: 16p13.3.
Variant type: single nucleotide variant.
Coding change: c.2194A>G on transcript NM_014714.4 (MANE Select); coding-DNA position 2194, A replaced by G.
Protein change: p.Arg732Gly; replaces arginine 732 with glycine.
Molecular consequence: missense variant.
Genome position (GRCh38, 1-based): chr16:1,561,990, T>C on the plus strand (A>G on the coding strand, the complement: IFT140 is on the minus strand). VCF-style: chr16-1561990-T-C. GRCh37 (hg19) VCF-style: chr16-1611991-T-C.
Other names: short protein forms R732G.
Identifiers: ClinVar variation 1047019 (VCV001047019.8), dbSNP rs2033435038, ClinGen allele CA394203121.

ClinVar aggregate classification (germline): Uncertain significance (1 of 4 stars; one submission).

Conditions:
Saldino-Mainzer syndrome (SRTD9). Also called: CONORENAL SYNDROME; Renal dysplasia, retinal pigmentary dystrophy, cerebellar ataxia and skeletal dysplasia; short-rib thoracic dysplasia 9 with or without polydactyly; SHORT-RIB THORACIC DYSPLASIA 9 WITHOUT POLYDACTYLY. Identifiers: Orphanet 140969, MedGen C1849437, MONDO:0009964, OMIM 266920.

Submission:

Labcorp Genetics (formerly Invitae), Labcorp
Classification: Uncertain significance for Saldino-Mainzer syndrome. Last evaluated: 2023-12-11. Review status: criteria provided, single submitter. Criteria: Invitae Variant Classification Sherloc (09022015). Collection method: clinical testing. Allele origin: germline.
Comment: This sequence change replaces arginine, which is basic and polar, with glycine, which is neutral and non-polar, at codon 732 of the IFT140 protein (p.Arg732Gly). This variant is not present in population databases (gnomAD no frequency). This variant has not been reported in the literature in individuals affected with IFT140-related conditions. ClinVar contains an entry for this variant (Variation ID: 1047019). Advanced modeling of protein sequence and biophysical properties (such as structural, functional, and spatial information, amino acid conservation, physicochemical variation, residue mobility, and thermodynamic stability) performed at Invitae indicates that this missense variant is not expected to disrupt IFT140 protein function with a negative predictive value of 95%. In summary, the available evidence is currently insufficient to determine the role of this variant in disease. Therefore, it has been classified as a Variant of Uncertain Significance.